The following is an entry in ClinVar:

ClinVar aggregate classification (germline): Pathogenic (1 of 4 stars; one submission).

Conditions:
Achromatopsia 3 (ACHM3). Also called: ROD MONOCHROMACY 1; ROD MONOCHROMATISM 1; ACHROMATOPSIA WITH MYOPIA; PINGELAPESE BLINDNESS; TOTAL COLORBLINDNESS WITH MYOPIA. Identifiers: Orphanet 49382, MedGen C1849792, MONDO:0009875, OMIM 262300.

Submission:

Women's Health and Genetics/Laboratory Corporation of America, LabCorp
Classification: Pathogenic for Achromatopsia 3. Last evaluated: 2024-08-08. Review status: criteria provided, single submitter. Criteria: LabCorp Variant Classification Summary - May 2015. Collection method: clinical testing. Allele origin: germline.
Comment: Variant summary: The variant involves the deletion of exons 8-9 in the CNGB3 gene. A presumed nomenclature of c.(903+1_904-1)_(1055+1_1056-1)del has been designated for the purposes of this classification. This Copy Number Variant (CNV) is expected to alter the reading frame and predicted to result in a truncation or absence of the encoded protein due to nonsense mediated decay (NMD). The variant was absent in 21694 control chromosomes. To our knowledge, no occurrence of c.(903+1_904-1)_(1055+1_1056-1)del in individuals affected with Achromatopsia and no experimental evidence demonstrating its impact on protein function have been reported. No submitters have cited clinical-significance assessments for this variant to ClinVar. Based on the evidence outlined above, the variant was classified as pathogenic.

NC_000008.10:g.(87656102_87656849)_(87660116_87666239)del

Gene: CNGB3 (cyclic nucleotide gated channel subunit beta 3; minus strand). Cytogenetic location: 8q21.3.
Variant type: Deletion.
Identifiers: ClinVar variation 3366382 (VCV003366382.1).